The following is an entry in ClinVar:

ClinVar aggregate classification (germline): Uncertain significance. Review status: criteria provided, multiple submitters, no conflicts (2 of 4 stars). 2 submissions from 2 submitters: Uncertain significance (2). Last evaluated 2026-06-15.

Conditions:
Hereditary cancer-predisposing syndrome. Also called: Hereditary neoplastic syndrome; Neoplastic Syndromes, Hereditary; Tumor predisposition; Hereditary Cancer Syndrome. Identifiers: Orphanet 140162, MedGen C0027672, MeSH D009386, MONDO:0015356.
Intellectual disability, autosomal dominant 16 (CSS4). Also called: COFFIN-SIRIS SYNDROME 4. Identifiers: Orphanet 1465, MedGen C3553249, MONDO:0013821, OMIM 614609.
Rhabdoid tumor predisposition syndrome 2 (RTPS2). Identifiers: Orphanet 231108, Orphanet 69077, MedGen C2750074, MONDO:0013224, OMIM 613325.
Otosclerosis 12. Identifiers: MedGen C5935610, MONDO:0968980, OMIM 620792.

Submissions (2):

Ambry Genetics
Classification: Uncertain significance for Hereditary cancer-predisposing syndrome. Last evaluated: 2026-06-15. Review status: criteria provided, single submitter. Criteria: Ambry Variant Classification Scheme 2023. Collection method: clinical testing. Allele origin: germline.
Comment: The p.P344S variant (also known as c.1030C>T), located in coding exon 5 of the SMARCA4 gene, results from a C to T substitution at nucleotide position 1030. The proline at codon 344 is replaced by serine, an amino acid with similar properties. This amino acid position is conserved. In addition, this alteration is predicted to be tolerated by in silico analysis. Based on the available evidence, the clinical significance of this variant remains unclear.

Fulgent Genetics
Classification: Uncertain significance for Rhabdoid tumor predisposition syndrome 2; Intellectual disability, autosomal dominant 16; Otosclerosis 12. Last evaluated: 2024-01-12. Review status: criteria provided, single submitter. Criteria: ACMG Guidelines, 2015. Collection method: clinical testing. Allele origin: germline.

NM_003072.5(SMARCA4):c.1030C>T (p.Pro344Ser)

Gene: SMARCA4 (SWI/SNF related BAF chromatin remodeling complex subunit ATPase 4; plus strand). Cytogenetic location: 19p13.2.
Variant type: single nucleotide variant.
Coding change: c.1030C>T on transcript NM_003072.5 (MANE Select); coding-DNA position 1030, C replaced by T.
Protein change: p.Pro344Ser; replaces proline 344 with serine.
Molecular consequence: missense variant. On other transcripts: non-coding transcript variant (1).
Genome position (GRCh38, 1-based): chr19:10,987,836, C>T. VCF-style: chr19-10987836-C-T. GRCh37 (hg19) VCF-style: chr19-11098512-C-T.
Other names: c.1030C>T (NM_001128849.1, NM_001128849.2); c.1030C>T, p.Pro344Ser (NM_001128844.3, NM_001128845.2, NM_001128846.2 and 6 more transcripts); short protein forms P344S.
Identifiers: ClinVar variation 3583401 (VCV003583401.2).